The following is an entry in ClinVar:

ClinVar aggregate classification (germline): Likely pathogenic (1 of 4 stars; one submission).

Conditions:
Hereditary spastic paraplegia 15 (SPG15). Also called: SPASTIC PARAPLEGIA 15, AUTOSOMAL RECESSIVE; KJELLIN SYNDROME; SPASTIC PARAPLEGIA AND RETINAL DEGENERATION. Identifiers: Orphanet 100996, MedGen C1849128, MONDO:0010044, OMIM 270700.

Submission:

Myriad Genetics, Inc.
Classification: Likely pathogenic for Hereditary spastic paraplegia 15. Last evaluated: 2022-03-30. Review status: criteria provided, single submitter. Criteria: Myriad Women's Health Autosomal Recessive and X-Linked Classification Criteria (2021). Collection method: clinical testing. Allele origin: unknown.
Comment: NM_015346.3(ZFYVE26):c.3893delC(P1298Qfs*18) is expected to be pathogenic in the context of spastic paraplegia type 15. This variant is predicted to lead to an abnormal or absent protein product due to the creation of a premature termination codon in ZFYVE26, a gene where loss-of-function variants are known to be pathogenic. Please note: this variant was assessed in the context of healthy population screening.

NM_015346.4(ZFYVE26):c.3893del (p.Pro1298fs)

Gene: ZFYVE26 (zinc finger FYVE-type containing 26; minus strand). Cytogenetic location: 14q24.1.
Variant type: Deletion.
Coding change: c.3893del on transcript NM_015346.4 (MANE Select); coding-DNA position 3893, one base deleted (C; older notation c.3893delC).
Protein change: p.Pro1298fs; shifts the reading frame from proline 1298.
Molecular consequence: frameshift variant.
Genome position (GRCh38, 1-based): chr14:67,783,259, G deleted on the plus strand (C on the coding strand, the reverse complement: ZFYVE26 is on the minus strand); the first of 3 consecutive G bases (chr14:67,783,259-67,783,261); deleting any one gives the same sequence. VCF-style (leftmost placement, unchanged base first): chr14-67783258-TG-T. GRCh37 (hg19) VCF-style: chr14-68249975-TG-T.
Other names: short protein forms P1298fs.
Identifiers: ClinVar variation 1725638 (VCV001725638.2), dbSNP rs2502806755, ClinGen allele CA2580088662.